The following is an entry in ClinVar:

NM_001267550.2(TTN):c.103687G>A (p.Val34563Met)

Genes: TTN (titin; minus strand), TTN-AS1 (TTN antisense RNA 1; plus strand). Cytogenetic location: 2q31.2.
Variant type: single nucleotide variant.
Coding change: c.103687G>A on transcript NM_001267550.2 (MANE Select); coding-DNA position 103687, G replaced by A.
Protein change: p.Val34563Met; replaces valine 34563 with methionine.
Molecular consequence: missense variant.
Genome position (GRCh38, 1-based): chr2:178,532,928, C>T on the plus strand (G>A on the coding strand, the complement: TTN is on the minus strand). VCF-style: chr2-178532928-C-T. GRCh37 (hg19) VCF-style: chr2-179397655-C-T.
Other names: c.98764G>A, p.Val32922Met (NM_001256850.1); c.76492G>A, p.Val25498Met (NM_003319.4); c.95983G>A, p.Val31995Met (NM_133378.4); c.76867G>A, p.Val25623Met (NM_133432.3); c.77068G>A, p.Val25690Met (NM_133437.4); short protein forms V34563M, V25623M, V31995M, V32922M, V25498M, V25690M.
Identifiers: ClinVar variation 535352 (VCV000535352.35), dbSNP rs369429739, ClinGen allele CA1985560.

ClinVar aggregate classification (germline): Uncertain significance. Review status: criteria provided, multiple submitters, no conflicts (2 of 4 stars). 5 submissions from 5 submitters: Uncertain significance (5). Last evaluated 2026-02-19.

Conditions:
TTN-related disorder. Also called: TTN-related disorders; TTN-related condition; TTN-related disease.
Cardiovascular phenotype. Identifiers: MedGen CN230736.
Dilated cardiomyopathy 1G (CMD1G). Identifiers: Orphanet 154, MedGen C1858763, MONDO:0011400, OMIM 604145.
Autosomal recessive limb-girdle muscular dystrophy type 2J (LGMDR10). Also called: Limb-girdle muscular dystrophy, type 2J; MUSCULAR DYSTROPHY, LIMB-GIRDLE, AUTOSOMAL RECESSIVE 10. Identifiers: Orphanet 140922, MedGen C1837342, MONDO:0012127, OMIM 608807.

Allele frequency attached by ClinVar (database versions not stated): gnomAD 0.00001; gnomAD exomes 0.00002 and 0.00003; ExAC 0.00003; TOPMed 0.00003; ESP Exome Variant Server 0.00008.

Submissions (5):

PreventionGenetics, part of Exact Sciences
Classification: Uncertain significance for TTN-related condition. Last evaluated: 2026-02-19. Review status: criteria provided, single submitter. Criteria: ACMG Guidelines, 2015. Collection method: clinical testing. Allele origin: germline.
Comment: The TTN c.103687G>A variant is predicted to result in the amino acid substitution p.Val34563Met. To our knowledge, this variant has not been reported in the literature. This variant is reported in 0.016% of alleles in individuals of South Asian descent in gnomAD. At this time, the clinical significance of this variant is uncertain due to the absence of conclusive functional and genetic evidence.

CeGaT Center for Human Genetics Tuebingen
Classification: Uncertain significance. Last evaluated: 2022-11-01. Review status: criteria provided, single submitter. Criteria: CeGaT Center For Human Genetics Tuebingen Variant Classification Criteria Version 2. Collection method: clinical testing. Allele origin: germline. Affected: yes. Observed: 1 variant allele.

Ambry Genetics
Classification: Uncertain significance for Cardiovascular phenotype. Last evaluated: 2020-02-04. Review status: criteria provided, single submitter. Criteria: Ambry Variant Classification Scheme 2023. Collection method: clinical testing. Allele origin: germline.
Comment: The p.V25498M variant (also known as c.76492G>A), located in coding exon 185 of the TTN gene, results from a G to A substitution at nucleotide position 76492. The valine at codon 25498 is replaced by methionine, an amino acid with highly similar properties. This amino acid position is well conserved in available vertebrate species. In addition, this alteration is predicted to be tolerated by in silico analysis. Since supporting evidence is limited at this time, the clinical significance of this alteration remains unclear.

Mayo Clinic Laboratories, Mayo Clinic
Classification: Uncertain significance. Last evaluated: 2019-12-18. Review status: criteria provided, single submitter. Criteria: ACMG Guidelines, 2015. Collection method: clinical testing. Allele origin: germline. Observed: 1 variant allele.

Labcorp Genetics (formerly Invitae), Labcorp
Classification: Uncertain significance for Dilated cardiomyopathy 1G; Autosomal recessive limb-girdle muscular dystrophy type 2J. Last evaluated: 2017-11-16. Review status: criteria provided, single submitter. Criteria: Invitae Variant Classification Sherloc (09022015). Collection method: clinical testing. Allele origin: germline.